The following is an entry in ClinVar:

ClinVar aggregate classification (germline): Uncertain significance (1 of 4 stars; one submission).

Conditions:
Charcot-Marie-Tooth disease type 4. Also called: Charcot-Marie-Tooth, Type 4; Charcot-Marie-Tooth disease, type IV. Identifiers: Orphanet 64749, MedGen C4082197, MONDO:0018995.

Allele frequency attached by ClinVar (database versions not stated): TOPMed 0.00005.
gnomAD v4.1: 10 of 1,613,980 alleles (0.00062%); highest among the groups gnomAD compares: Non-Finnish European, 0.00085%; no homozygotes.

Submission:

Labcorp Genetics (formerly Invitae), Labcorp
Classification: Uncertain significance for Charcot-Marie-Tooth disease type 4. Last evaluated: 2021-08-26. Review status: criteria provided, single submitter. Criteria: Invitae Variant Classification Sherloc (09022015). Collection method: clinical testing. Allele origin: germline.
Comment: This sequence change replaces arginine with leucine at codon 89 of the SH3TC2 protein (p.Arg89Leu). The arginine residue is moderately conserved and there is a moderate physicochemical difference between arginine and leucine. This variant is present in population databases (rs189591944, ExAC 0.001%). This variant has not been reported in the literature in individuals affected with SH3TC2-related conditions. Algorithms developed to predict the effect of missense changes on protein structure and function (SIFT, PolyPhen-2, Align-GVGD) all suggest that this variant is likely to be tolerated. In summary, the available evidence is currently insufficient to determine the role of this variant in disease. Therefore, it has been classified as a Variant of Uncertain Significance.

NM_024577.4(SH3TC2):c.266G>T (p.Arg89Leu)

Gene: SH3TC2 (SH3 domain and tetratricopeptide repeats 2; minus strand). Cytogenetic location: 5q32.
Variant type: single nucleotide variant.
Coding change: c.266G>T on transcript NM_024577.4 (MANE Select); coding-DNA position 266, G replaced by T.
Protein change: p.Arg89Leu; replaces arginine 89 with leucine.
Molecular consequence: missense variant.
Genome position (GRCh38, 1-based): chr5:149,047,875, C>A on the plus strand (G>T on the coding strand, the complement: SH3TC2 is on the minus strand). VCF-style: chr5-149047875-C-A. GRCh37 (hg19) VCF-style: chr5-148427438-C-A.
Other names: short protein forms R89L.
Identifiers: ClinVar variation 938755 (VCV000938755.7), dbSNP rs189591944, ClinGen allele CA3499582.